The following is an entry in ClinVar:

ClinVar aggregate classification (germline): Likely benign (1 of 4 stars; one submission).

Conditions:
Familial cancer of breast. Also called: Hereditary breast cancer; BREAST CANCER, FAMILIAL; hereditary breast carcinoma. Identifiers: Orphanet 227535, MedGen C0346153, MONDO:0016419, OMIM 114480. Disease mechanism: loss of function.

Submission:

Myriad Genetics, Inc.
Classification: Likely benign for Familial cancer of breast. Last evaluated: 2024-10-04. Review status: criteria provided, single submitter. Criteria: Myriad Autosomal Dominant, Autosomal Recessive and X-Linked Classification Criteria (2023). Collection method: clinical testing. Allele origin: unknown.
Comment: This variant is considered likely benign. This variant is intronic and is not expected to impact mRNA splicing.

NM_007194.4(CHEK2):c.1009-6G>C

Gene: CHEK2 (checkpoint kinase 2; minus strand). Cytogenetic location: 22q12.1.
Variant type: single nucleotide variant.
Coding change: c.1009-6G>C on transcript NM_007194.4 (MANE Select); 6 bases into the intron before coding-DNA position 1009, G replaced by C.
Molecular consequence: intron variant.
Genome position (GRCh38, 1-based): chr22:28,696,993, C>G on the plus strand (G>C on the coding strand, the complement: CHEK2 is on the minus strand). VCF-style: chr22-28696993-C-G. GRCh37 (hg19) VCF-style: chr22-29092981-C-G.
Other names: c.346-6G>C (NM_001437942.1, NM_001257387.3); c.808-6G>C (NM_001349956.3); c.1009-1120G>C (NM_145862.3); c.1102-1120G>C (NM_001438295.1); c.1102-6G>C (NM_001438293.1); c.1138-1120G>C (NM_001438294.1); c.1138-6G>C (NM_001005735.3).
Identifiers: ClinVar variation 3772917 (VCV003772917.1).